The following is an entry in ClinVar:

ClinVar aggregate classification (germline): Uncertain significance (1 of 4 stars; one submission).

gnomAD v4.1: 4 of 1,608,458 alleles (0.00025%); highest among the groups gnomAD compares: Non-Finnish European, 0.00034%; no homozygotes.

Submission:

Labcorp Genetics (formerly Invitae), Labcorp
Classification: Uncertain significance. Last evaluated: 2025-10-08. Review status: criteria provided, single submitter. Criteria: Invitae Variant Classification Sherloc (09022015). Collection method: clinical testing. Allele origin: germline.
Comment: This sequence change affects codon 186 of the SLC18A3 mRNA. It is a 'silent' change, meaning that it does not change the encoded amino acid sequence of the SLC18A3 protein. This variant is not present in population databases (gnomAD no frequency). This variant has not been reported in the literature in individuals affected with SLC18A3-related conditions. In summary, the available evidence is currently insufficient to determine the role of this variant in disease. Therefore, it has been classified as a Variant of Uncertain Significance.

NM_003055.3(SLC18A3):c.558C>T (p.Gly186=)

Genes: CHAT (choline O-acetyltransferase; plus strand), SLC18A3 (solute carrier family 18 member A3; plus strand). Cytogenetic location: 10q11.23.
Variant type: single nucleotide variant.
Coding change: c.558C>T on transcript NM_003055.3 (MANE Select); coding-DNA position 558, C replaced by T.
Protein change: p.Gly186=; no amino-acid change (glycine 186 retained).
Molecular consequence: synonymous variant. On other transcripts: intron variant (1).
Genome position (GRCh38, 1-based): chr10:49,611,298, C>T. VCF-style: chr10-49611298-C-T. GRCh37 (hg19) VCF-style: chr10-50819344-C-T.
Other names: c.-69+2099C>T (NM_020984.4).
Identifiers: ClinVar variation 4809387 (VCV004809387.1).
Genomic context (GRCh38, chr10:49,611,298, plus strand): 5'-AGTCCTGTTCGCCTTCGCCGAGGACTACGCCACGCTGTTCGCGGCGCGCAGCCTGCAGGG[C>T]CTGGGCTCAGCCTTCGCCGACACGTCTGGCATAGCCATGATCGCCGATAAGTACCCGGAG-3'
Protein context (NP_003046.2, residues 176-196): ATLFAARSLQ[Gly186=]LGSAFADTSG